The following is an entry in ClinVar:

NM_001382567.1(STIM1):c.2075T>C (p.Ile692Thr)

Genes: STIM1 (stromal interaction molecule 1; plus strand), LOC124418421 (Sharpr-MPRA regulatory region 9588; plus strand). Cytogenetic location: 11p15.4.
Variant type: single nucleotide variant.
Coding change: c.2075T>C on transcript NM_001382567.1 (MANE Select); coding-DNA position 2075, T replaced by C.
Protein change: p.Ile692Thr; replaces isoleucine 692 with threonine.
Molecular consequence: missense variant. On other transcripts: 3 prime UTR variant (4), non-coding transcript variant (3).
Genome position (GRCh38, 1-based): chr11:4,091,722, T>C. VCF-style: chr11-4091722-T-C. GRCh37 (hg19) VCF-style: chr11-4112952-T-C.
Other names: c.2300T>C, p.Ile767Thr (NM_001277961.3); c.*396T>C (NM_001277962.2, NM_001382578.1, NM_001382579.1 and 1 more transcripts); c.2078T>C, p.Ile693Thr (NM_001382566.1); c.2003T>C, p.Ile668Thr (NM_001382568.1); c.1847T>C, p.Ile616Thr (NM_001382569.1); c.1754T>C, p.Ile585Thr (NM_001382570.1); c.1502T>C, p.Ile501Thr (NM_001382571.1); c.1760T>C, p.Ile587Thr (NM_001382575.1, NM_001382576.1, NM_001382577.1); and 2 more; short protein forms I661T, I501T, I616T, I668T, I693T, I498T, I587T, I585T.
Identifiers: ClinVar variation 2083428 (VCV002083428.5), dbSNP rs765059333, ClinGen allele CA5830660.
Genomic context (GRCh38, chr11:4,091,722, plus strand): 5'-ACACACGCATTCCCCACCTGGCTGGCAAGAAGGCTGTGGCTGAGGAGGATAATGGCTCTA[T>C]TGGCGAGGAAACAGACTCCAGCCCAGGCCGGAAGAAGTTTCCCCTCAAAATCTTTAAGAA-3'
Protein context (NP_001369496.1, residues 682-702): KAVAEEDNGS[Ile692Thr]GEETDSSPGR

ClinVar aggregate classification (germline): Uncertain significance. Review status: criteria provided, multiple submitters, no conflicts (2 of 4 stars). 2 submissions from 2 submitters: Uncertain significance (2). Last evaluated 2026-01-21.

Conditions:
Stormorken syndrome (STRMK). Also called: THROMBOCYTOPATHY, ASPLENIA, AND MIOSIS. Identifiers: Orphanet 3204, MedGen C1861451, MONDO:0008497, OMIM 185070.
Myopathy with tubular aggregates (TAM). Also called: Tubular Aggregate Myopathy. Identifiers: Orphanet 2593, MedGen C0410207, MONDO:0008051.
Combined immunodeficiency due to STIM1 deficiency. Also called: IMMUNODEFICIENCY 10; STIM1 DEFICIENCY. Identifiers: Orphanet 169090, Orphanet 317430, MedGen C2748557, MONDO:0013008, OMIM 612783.

Allele frequency attached by ClinVar (database versions not stated): TOPMed below 0.00001; ExAC 0.00001; gnomAD 0.00001; gnomAD exomes 0.00001.
gnomAD v4.1: 7 of 1,613,886 alleles (0.00043%); highest among the groups gnomAD compares: South Asian, 0.0011%; no homozygotes.

Submissions (2):

Labcorp Genetics (formerly Invitae), Labcorp
Classification: Uncertain significance for Myopathy with tubular aggregates; Combined immunodeficiency due to STIM1 deficiency; Stormorken syndrome. Last evaluated: 2026-01-21. Review status: criteria provided, single submitter. Criteria: Invitae Variant Classification Sherloc (09022015). Collection method: clinical testing. Allele origin: germline.
Comment: This sequence change replaces isoleucine, which is neutral and non-polar, with threonine, which is neutral and polar, at codon 661 of the STIM1 protein (p.Ile661Thr). This variant is present in population databases (rs765059333, gnomAD 0.003%). This variant has not been reported in the literature in individuals affected with STIM1-related conditions. ClinVar contains an entry for this variant (Variation ID: 2083428). Invitae Evidence Modeling of protein sequence and biophysical properties (such as structural, functional, and spatial information, amino acid conservation, physicochemical variation, residue mobility, and thermodynamic stability) indicates that this missense variant is not expected to disrupt STIM1 protein function with a negative predictive value of 95%. In summary, the available evidence is currently insufficient to determine the role of this variant in disease. Therefore, it has been classified as a Variant of Uncertain Significance.

GeneDx
Classification: Uncertain significance. Last evaluated: 2025-05-30. Review status: criteria provided, single submitter. Criteria: GeneDx Variant Classification Process June 2021. Collection method: clinical testing. Allele origin: germline. Affected: yes.
Comment: Not observed at significant frequency in large population cohorts (gnomAD); In silico analysis suggests that this missense variant does not alter protein structure/function; Has not been previously published as pathogenic or benign to our knowledge